The following is an entry in ClinVar:

NM_007129.5(ZIC2):c.1365AGCGGCGGCGGC[1] (p.Ala467_Ala470del)

Genes: ZIC2 (Zic family zinc finger 2; plus strand), LOC110008580 (Zic family member 2 polyalanine repeat instability region; plus strand). Cytogenetic location: 13q32.3.
Variant type: Microsatellite.
Coding change: c.1365AGCGGCGGCGGC[1] on transcript NM_007129.5 (MANE Select); one copy of the 12-base unit AGCGGCGGCGGC starting at c.1365; the reference has two copies in a row; one copy, 12 bases deleted.
Protein change: p.Ala467_Ala470del.
Molecular consequence: inframe deletion.
Genome position (GRCh38, 1-based): chr13:99,985,460-99,985,471, AGCGGCGGCGGC deleted; deleting any 12 consecutive bases within chr13:99,985,447-99,985,471 gives the same sequence; the position shown is the placement nearest the transcript's 3' end. VCF-style (leftmost placement, unchanged base first): chr13-99985446-CCAGCGGCGGCGG-C. GRCh37 (hg19) VCF-style: chr13-100637700-CCAGCGGCGGCGG-C.
Identifiers: ClinVar variation 1686390 (VCV001686390.6), dbSNP rs755522720, ClinGen allele CA7032969.

ClinVar aggregate classification (germline): Conflicting classifications of pathogenicity. Review status: criteria provided, conflicting classifications (1 of 4 stars). 2 submissions from 2 submitters: Uncertain significance (1); Benign (1). Last evaluated 2025-03-18.

Conditions:
Holoprosencephaly 5 (HPE5). Identifiers: Orphanet 2162, MedGen C1864827, MONDO:0012322, OMIM 609637.

Submissions (2):

Labcorp Genetics (formerly Invitae), Labcorp
Classification: Uncertain significance for Holoprosencephaly 5. Last evaluated: 2025-03-18. Review status: criteria provided, single submitter. Criteria: Invitae Variant Classification Sherloc (09022015). Collection method: clinical testing. Allele origin: germline.
Comment: This variant, c.1377_1388del, results in the deletion of 4 amino acid(s) of the ZIC2 protein (p.Ala467_Ala470del), but otherwise preserves the integrity of the reading frame. The frequency data for this variant in the population databases is considered unreliable, as metrics indicate poor data quality at this position in the gnomAD database. This variant has been observed in individual(s) with holoprosencephaly (PMID: 21940735). Experimental studies and prediction algorithms are not available or were not evaluated, and the functional significance of this variant is currently unknown. In summary, the available evidence is currently insufficient to determine the role of this variant in disease. Therefore, it has been classified as a Variant of Uncertain Significance.

Mendelics
Classification: Benign. Last evaluated: 2022-05-04. Review status: criteria provided, single submitter. Criteria: Mendelics Assertion Criteria 2019. Collection method: clinical testing. Allele origin: germline.

Literature cited by the submitters: PubMed 21940735 (cited by Labcorp Genetics (formerly Invitae), Labcorp).